The following is an entry in ClinVar:

NM_000075.4(CDK4):c.684-5C>A

Genes: CDK4 (cyclin dependent kinase 4; minus strand), TSPAN31 (tetraspanin 31; plus strand). Cytogenetic location: 12q14.1.
Variant type: single nucleotide variant.
Coding change: c.684-5C>A on transcript NM_000075.4 (MANE Select); 5 bases into the intron before coding-DNA position 684, C replaced by A.
Molecular consequence: intron variant. On other transcripts: 3 prime UTR variant (3).
Genome position (GRCh38, 1-based): chr12:57,749,322, G>T on the plus strand (C>A on the coding strand, the complement: CDK4 is on the minus strand). VCF-style: chr12-57749322-G-T. GRCh37 (hg19) VCF-style: chr12-58143105-G-T.
Other names: c.684-5C>A (NM_000075.3); c.*2032G>T (NM_001330168.2, NM_001330169.2, NM_005981.5).
Identifiers: ClinVar variation 2105033 (VCV002105033.5), dbSNP rs765361338, ClinGen allele CA2580086604.

ClinVar aggregate classification (germline): Conflicting classifications of pathogenicity. Review status: criteria provided, conflicting classifications (1 of 4 stars). 2 submissions from 2 submitters: Uncertain significance (1); Likely benign (1). Last evaluated 2026-04-06.

Conditions:
Hereditary cancer-predisposing syndrome. Also called: Neoplastic Syndromes, Hereditary; Tumor predisposition; Hereditary Cancer Syndrome; Hereditary neoplastic syndrome. Identifiers: Orphanet 140162, MedGen C0027672, MeSH D009386, MONDO:0015356.
Familial melanoma. Also called: Hereditary melanoma; Hereditary cutaneous melanoma. Identifiers: Orphanet 618, MedGen C1512419, MONDO:0018961.

Submissions (2):

Ambry Genetics
Classification: Uncertain significance for Hereditary cancer-predisposing syndrome. Last evaluated: 2026-04-06. Review status: criteria provided, single submitter. Criteria: Ambry Variant Classification Scheme 2023. Collection method: clinical testing. Allele origin: germline.
Comment: The c.684-5C>A intronic variant results from a C to A substitution 5 nucleotides upstream from coding exon 6 in the CDK4 gene. This nucleotide position is well conserved in available vertebrate species. In silico splice site analysis predicts that this alteration will not have any significant effect on splicing. Based on the available evidence, the clinical significance of this variant remains unclear.

Labcorp Genetics (formerly Invitae), Labcorp
Classification: Likely benign for Familial melanoma. Last evaluated: 2023-07-06. Review status: criteria provided, single submitter. Criteria: Invitae Variant Classification Sherloc (09022015). Collection method: clinical testing. Allele origin: germline.